The following is an entry in ClinVar:

ClinVar aggregate classification (germline): Pathogenic (1 of 4 stars; one submission).

Conditions:
Hereditary cancer-predisposing syndrome. Also called: Tumor predisposition; Hereditary neoplastic syndrome; Hereditary Cancer Syndrome; Neoplastic Syndromes, Hereditary. Identifiers: Orphanet 140162, MedGen C0027672, MeSH D009386, MONDO:0015356.

Submission:

Ambry Genetics
Classification: Pathogenic for Hereditary cancer-predisposing syndrome. Last evaluated: 2025-04-09. Review status: criteria provided, single submitter. Criteria: Ambry Variant Classification Scheme 2023. Collection method: clinical testing. Allele origin: germline.
Comment: The p.E72* pathogenic mutation (also known as c.214G>T), located in coding exon 2 of the RB1 gene, results from a G to T substitution at nucleotide position 214. This changes the amino acid from a glutamic acid to a stop codon within coding exon 2. This variant was reported in individual(s) with features consistent with RB1-related hereditary retinoblastoma (Ambry internal data). This variant is considered to be rare based on population cohorts in the Genome Aggregation Database (gnomAD). In addition, this alteration is expected to result in loss of function by premature protein truncation or nonsense-mediated mRNA decay. As such, this alteration is interpreted as a disease-causing mutation.

NM_000321.3(RB1):c.214G>T (p.Glu72Ter)

Gene: RB1 (RB transcriptional corepressor 1; plus strand). Cytogenetic location: 13q14.2.
Variant type: single nucleotide variant.
Coding change: c.214G>T on transcript NM_000321.3 (MANE Select); coding-DNA position 214, G replaced by T.
Protein change: p.Glu72Ter; replaces glutamic acid 72 with a stop codon.
Molecular consequence: nonsense.
Genome position (GRCh38, 1-based): chr13:48,307,356, G>T. VCF-style: chr13-48307356-G-T. GRCh37 (hg19) VCF-style: chr13-48881492-G-T.
Other names: c.214G>T, p.Glu72Ter (NM_001407165.1, NM_001407166.1, NM_001407167.1); short protein forms E72*.
Identifiers: ClinVar variation 3943334 (VCV003943334.1).